The following is an entry in ClinVar:

ClinVar aggregate classification (germline): Benign/Likely benign. Review status: criteria provided, multiple submitters, no conflicts (2 of 4 stars). 4 submissions from 4 submitters: Benign (2); Likely benign (2). Last evaluated 2025-12-19.

Conditions:
ATRX-related disorder. Also called: ATRX-related condition.
Alpha thalassemia-X-linked intellectual disability syndrome (ATRX). Also called: ALPHA-THALASSEMIA/MENTAL RETARDATION SYNDROME, X-LINKED; X-linked alpha-thalassemia-mental retardation syndrome; ATR-X syndrome; Alpha thalassemia mental retardation syndrome, nondeletion type, X-linked; XLMR hypotonic face syndrome; ATR, NONDELETION TYPE. Identifiers: Orphanet 847, MedGen C1845055, MONDO:0010519, OMIM 301040.

Allele frequency attached by ClinVar (database versions not stated): 1000 Genomes Project 0.00053; gnomAD exomes 0.00008 and 0.00021; ExAC 0.00019; gnomAD below 0.00001 and 0.00004; TOPMed 0.00001; 1000 Genomes Project 30x 0.00083.
gnomAD v4.1: 94 of 1,199,656 alleles (0.0078%); highest among the groups gnomAD compares: South Asian, 0.16%; no homozygotes.

Submissions (4):

Labcorp Genetics (formerly Invitae), Labcorp
Classification: Benign for Alpha thalassemia-X-linked intellectual disability syndrome. Last evaluated: 2025-12-19. Review status: criteria provided, single submitter. Criteria: Invitae Variant Classification Sherloc (09022015). Collection method: clinical testing. Allele origin: germline.

PreventionGenetics, part of Exact Sciences
Classification: Likely benign for ATRX-related condition. Last evaluated: 2024-11-07. Review status: criteria provided, single submitter. Criteria: ACMG Guidelines, 2015. Collection method: clinical testing. Allele origin: germline.
Comment: This variant is classified as likely benign based on ACMG/AMP sequence variant interpretation guidelines (Richards et al. 2015 PMID: 25741868, with internal and published modifications).

GeneDx
Classification: Benign. Last evaluated: 2020-09-18. Review status: criteria provided, single submitter. Criteria: GeneDx Variant Classification Process June 2021. Collection method: clinical testing. Allele origin: germline. Affected: yes.

Genetic Services Laboratory, University of Chicago
Classification: Likely benign. Last evaluated: 2020-07-09. Review status: criteria provided, single submitter. Criteria: ACMG Guidelines, 2015. Collection method: clinical testing. Allele origin: germline. Affected: no.

NM_000489.6(ATRX):c.654A>G (p.Glu218=)

Gene: ATRX (ATRX chromatin remodeler; minus strand). Cytogenetic location: Xq21.1.
Variant type: single nucleotide variant.
Coding change: c.654A>G on transcript NM_000489.6 (MANE Select); coding-DNA position 654, A replaced by G.
Protein change: p.Glu218=; no amino-acid change (glutamic acid 218 retained).
Molecular consequence: synonymous variant.
Genome position (GRCh38, 1-based): chrX:77,684,947, T>C on the plus strand (A>G on the coding strand, the complement: ATRX is on the minus strand). VCF-style: chrX-77684947-T-C. GRCh37 (hg19) VCF-style: chrX-76940439-T-C.
Other names: c.540A>G, p.Glu180= (NM_138270.5).
Identifiers: ClinVar variation 385873 (VCV000385873.54), dbSNP rs782378258, ClinGen allele CA10458283.